The following is an entry in ClinVar:

NM_000414.4(HSD17B4):c.815A>C (p.Asn272Thr)

Gene: HSD17B4 (hydroxysteroid 17-beta dehydrogenase 4; plus strand). Cytogenetic location: 5q23.1.
Variant type: single nucleotide variant.
Coding change: c.815A>C on transcript NM_000414.4 (MANE Select); coding-DNA position 815, A replaced by C.
Protein change: p.Asn272Thr; replaces asparagine 272 with threonine.
Molecular consequence: missense variant. On other transcripts: non-coding transcript variant (2).
Genome position (GRCh38, 1-based): chr5:119,493,893, A>C. VCF-style: chr5-119493893-A-C. GRCh37 (hg19) VCF-style: chr5-118829588-A-C.
Other names: c.890A>C, p.Asn297Thr (NM_001199291.3); c.761A>C, p.Asn254Thr (NM_001199292.2); c.743A>C, p.Asn248Thr (NM_001292027.2); c.395A>C, p.Asn132Thr (NM_001292028.2); c.806A>C, p.Asn269Thr (NM_001374497.1); c.815A>C, p.Asn272Thr (NM_001374498.1); c.488A>C, p.Asn163Thr (NM_001374499.1); c.374A>C, p.Asn125Thr (NM_001374500.1); and 1 more; short protein forms N125T, N132T, N135T, N163T, N248T, N254T, N269T, N272T.
Identifiers: ClinVar variation 1017430 (VCV001017430.2), dbSNP rs779675068, ClinGen allele CA3381991.

ClinVar aggregate classification (germline): Uncertain significance (1 of 4 stars; one submission).

Conditions:
Perrault syndrome. Also called: Gonadal dysgenesis with auditory dysfunction, autosomal recessive inheritance. Identifiers: Orphanet 2855, MedGen C0685838, MONDO:0017312.
Bifunctional peroxisomal enzyme deficiency (DBIF). Also called: DBP DEFICIENCY; D-bifunctional protein deficiency; PBFE DEFICIENCY. Identifiers: Orphanet 300, MedGen C0342870, MONDO:0009855, OMIM 261515. Disease mechanism: loss of function.

Allele frequency attached by ClinVar (database versions not stated): ExAC 0.00001; gnomAD exomes 0.00003.
gnomAD v4.1: 7 of 1,613,396 alleles (0.00043%); highest among the groups gnomAD compares: Admixed American, 0.012%; no homozygotes.

Submission:

Labcorp Genetics (formerly Invitae), Labcorp
Classification: Uncertain significance for Perrault syndrome; Bifunctional peroxisomal enzyme deficiency. Last evaluated: 2022-08-12. Review status: criteria provided, single submitter. Criteria: Invitae Variant Classification Sherloc (09022015). Collection method: clinical testing. Allele origin: germline.
Comment: This sequence change replaces asparagine, which is neutral and polar, with threonine, which is neutral and polar, at codon 272 of the HSD17B4 protein (p.Asn272Thr). This variant is present in population databases (rs779675068, gnomAD 0.02%). This variant has not been reported in the literature in individuals affected with HSD17B4-related conditions. ClinVar contains an entry for this variant (Variation ID: 1017430). Advanced modeling of protein sequence and biophysical properties (such as structural, functional, and spatial information, amino acid conservation, physicochemical variation, residue mobility, and thermodynamic stability) performed at Invitae indicates that this missense variant is not expected to disrupt HSD17B4 protein function. In summary, the available evidence is currently insufficient to determine the role of this variant in disease. Therefore, it has been classified as a Variant of Uncertain Significance.